The following is an entry in ClinVar:

NM_005631.5(SMO):c.1801+6C>G

Gene: SMO (smoothened, frizzled class receptor; plus strand). Cytogenetic location: 7q32.1.
Variant type: single nucleotide variant.
Coding change: c.1801+6C>G on transcript NM_005631.5 (MANE Select); 6 bases into the intron after coding-DNA position 1801, C replaced by G.
Molecular consequence: intron variant.
Genome position (GRCh38, 1-based): chr7:129,211,119, C>G. VCF-style: chr7-129211119-C-G. GRCh37 (hg19) VCF-style: chr7-128850960-C-G.
Identifiers: ClinVar variation 3034308 (VCV003034308.2), dbSNP rs2150654900, ClinGen allele CA2684855835.

ClinVar aggregate classification (germline): Likely benign (0 of 4 stars; one submission).

Conditions:
SMO-related disorder. Also called: SMO-related condition.

Submission:

PreventionGenetics, part of Exact Sciences
Classification: Likely benign for SMO-related condition. Last evaluated: 2019-08-09. Review status: no assertion criteria provided. Collection method: clinical testing. Allele origin: germline.
Comment: This variant is classified as likely benign based on ACMG/AMP sequence variant interpretation guidelines (Richards et al. 2015 PMID: 25741868, with internal and published modifications).